The following is an entry in ClinVar:

ClinVar aggregate classification (germline): Likely benign (1 of 4 stars; one submission).

Conditions:
Fabry disease. Also called: Fabry's disease; ALPHA-GALACTOSIDASE A DEFICIENCY; ANDERSON-FABRY DISEASE; CERAMIDE TRIHEXOSIDASE DEFICIENCY; GLA DEFICIENCY; HEREDITARY DYSTOPIC LIPIDOSIS. Identifiers: Orphanet 324, MedGen C0002986, MONDO:0010526, OMIM 301500, HP:0001071. Disease mechanism: Fabry disease is due to inactivating mutations in the X-linked GLA gene resulting in deficiency of the enzyme Alpha Galactosidase-A., loss of function.

Submission:

Genomenon, Inc
Classification: Likely benign for Fabry disease. Last evaluated: 2026-09-08. Review status: criteria provided, single submitter. Criteria: Genomenon Sequence Variant Interpretation Standards - Updated. Collection method: curation. Allele origin: germline. Affected: no.
Comment: GLA c.195-518T>C is an intronic variant located in intron 1. This variant has been reported in the published literature (PMID:29227985). It is absent or not present at a significant frequency in gnomAD. This variant is not predicted to impact splicing. In conclusion, we classify GLA c.195-518T>C as a likely benign variant.

Literature cited by the submitters: PubMed 29227985.

NM_000169.3(GLA):c.195-518T>C

Genes: GLA (galactosidase alpha; minus strand), RPL36A-HNRNPH2 (RPL36A-HNRNPH2 readthrough; plus strand). Cytogenetic location: Xq22.1.
Variant type: single nucleotide variant.
Coding change: c.195-518T>C on transcript NM_000169.3 (MANE Select); 518 bases into the intron before coding-DNA position 195, T replaced by C.
Molecular consequence: intron variant.
Genome position (GRCh38, 1-based): chrX:101,404,503, A>G on the plus strand (T>C on the coding strand, the complement: GLA is on the minus strand). VCF-style: chrX-101404503-A-G. GRCh37 (hg19) VCF-style: chrX-100659491-A-G.
Other names: c.301-7433A>G (NM_001199973.2); c.178-7433A>G (NM_001199974.2); c.318-518T>C (NM_001406747.1, NM_001406749.1); c.195-518T>C (NM_001406748.1).
Identifiers: ClinVar variation 4974866 (VCV004974866.1).